The following is an entry in ClinVar:

NM_021628.3(ALOXE3):c.*356A>C

Gene: ALOXE3 (arachidonate epidermal lipoxygenase 3; minus strand). Cytogenetic location: 17p13.1.
Variant type: single nucleotide variant.
Coding change: c.*356A>C on transcript NM_021628.3 (MANE Select); 356 bases downstream of the stop codon, A replaced by C.
Molecular consequence: 3 prime UTR variant.
Genome position (GRCh38, 1-based): chr17:8,096,271, T>G on the plus strand (A>C on the coding strand, the complement: ALOXE3 is on the minus strand). VCF-style: chr17-8096271-T-G. GRCh37 (hg19) VCF-style: chr17-7999589-T-G.
Other names: c.*356A>C (NM_001165960.1, NM_001369446.1).
Identifiers: ClinVar variation 325949 (VCV000325949.6), dbSNP rs3809882, ClinGen allele CA10640931.

ClinVar aggregate classification (germline): Benign. Review status: criteria provided, multiple submitters, no conflicts (2 of 4 stars). 2 submissions from 2 submitters: Benign (2). Last evaluated 2018-01-13.

Conditions:
Autosomal recessive congenital ichthyosis 3 (ARCI3). Also called: ICHTHYOSIS, LAMELLAR, 5. Identifiers: MedGen C3539888, MONDO:0011680, OMIM 606545.

Allele frequency attached by ClinVar (database versions not stated): 1000 Genomes Project 30x 0.47517; TOPMed 0.43400; 1000 Genomes Project 0.48203; gnomAD 0.43006 and 0.43917; gnomAD exomes 0.43653.
gnomAD v4.1: 99,659 of 227,746 alleles (44%); highest among the groups gnomAD compares: East Asian, 65%; 23,041 homozygotes.

Submissions (2):

Illumina Laboratory Services, Illumina
Classification: Benign for Autosomal recessive congenital ichthyosis 3. Last evaluated: 2018-01-13. Review status: criteria provided, single submitter. Criteria: ICSL Variant Classification Criteria 13 December 2019. Collection method: clinical testing. Allele origin: germline.
Comment: This variant was observed in the ICSL laboratory as part of a predisposition screen in an ostensibly healthy population. It had not been previously curated by ICSL or reported in the Human Gene Mutation Database (HGMD: prior to June 1st, 2018), and was therefore a candidate for classification through an automated scoring system. Utilizing variant allele frequency, disease prevalence and penetrance estimates, and inheritance mode, an automated score was calculated to assess if this variant is too frequent to cause the disease. Based on the score and internal cut-off values, a variant classified as benign is not then subjected to further curation. The score for this variant resulted in a classification of benign for this disease.

Breakthrough Genomics
Classification: Benign. Review status: criteria provided, single submitter. Criteria: ACMG Guidelines, 2015. Collection method: not provided. Allele origin: germline. Inheritance: Autosomal recessive inheritance. Affected: yes.